The following is an entry in ClinVar:

ClinVar aggregate classification (germline): Pathogenic (1 of 4 stars; one submission).

Conditions:
Joubert syndrome. Also called: CEREBELLOPARENCHYMAL DISORDER IV; JOUBERT-BOLTSHAUSER SYNDROME; Familial aplasia of the vermis. Identifiers: Orphanet 475, MedGen C5979921, MONDO:0018772.
Meckel-Gruber syndrome. Also called: DYSENCEPHALIA SPLANCHNOCYSTICA; GRUBER SYNDROME; Dysencephalia splachnocystica. Identifiers: Orphanet 564, MedGen C0265215, MONDO:0018921.

Allele frequency attached by ClinVar (database versions not stated): gnomAD 0.00001; TOPMed 0.00001.
gnomAD v4.1: 3 of 1,614,046 alleles (0.00019%); highest among the groups gnomAD compares: Non-Finnish European, 0.00017%; no homozygotes.

Submission:

Labcorp Genetics (formerly Invitae), Labcorp
Classification: Pathogenic for Joubert syndrome; Meckel-Gruber syndrome. Last evaluated: 2022-07-01. Review status: criteria provided, single submitter. Criteria: Invitae Variant Classification Sherloc (09022015). Collection method: clinical testing. Allele origin: germline.
Comment: This sequence change creates a premature translational stop signal (p.Leu479*) in the TCTN2 gene. It is expected to result in an absent or disrupted protein product. Loss-of-function variants in TCTN2 are known to be pathogenic (PMID: 21565611). This variant is present in population databases (no rsID available, gnomAD 0.01%). For these reasons, this variant has been classified as Pathogenic. This variant has not been reported in the literature in individuals affected with TCTN2-related conditions.

Literature cited by the submitters: PubMed 21565611.

NM_024809.5(TCTN2):c.1436T>G (p.Leu479Ter)

Gene: TCTN2 (tectonic family member 2; plus strand). Cytogenetic location: 12q24.31.
Variant type: single nucleotide variant.
Coding change: c.1436T>G on transcript NM_024809.5 (MANE Select); coding-DNA position 1436, T replaced by G.
Protein change: p.Leu479Ter; replaces leucine 479 with a stop codon.
Molecular consequence: nonsense.
Genome position (GRCh38, 1-based): chr12:123,697,129, T>G. VCF-style: chr12-123697129-T-G. GRCh37 (hg19) VCF-style: chr12-124181676-T-G.
Other names: c.1433T>G, p.Leu478Ter (NM_001143850.3); c.1301T>G, p.Leu434Ter (NM_001410989.1); short protein forms L478*, L479*, L434*.
Identifiers: ClinVar variation 2012732 (VCV002012732.4), dbSNP rs1216783170, ClinGen allele CA387144873.